The following is an entry in ClinVar:

NM_005912.3(MC4R):c.-220G>A

Gene: MC4R (melanocortin 4 receptor; minus strand). Cytogenetic location: 18q21.32.
Variant type: single nucleotide variant.
Coding change: c.-220G>A on transcript NM_005912.3 (MANE Select); 220 bases upstream of the start codon, G replaced by A.
Molecular consequence: 5 prime UTR variant.
Genome position (GRCh38, 1-based): chr18:60,372,569, C>T on the plus strand (G>A on the coding strand, the complement: MC4R is on the minus strand). VCF-style: chr18-60372569-C-T. GRCh37 (hg19) VCF-style: chr18-58039802-C-T.
Identifiers: ClinVar variation 327720 (VCV000327720.6), dbSNP rs772697287, ClinGen allele CA10648053.
Genomic context (GRCh38, chr18:60,372,569, plus strand): 5'-GGAGTTTTTAGTCTCTTTTAGGTACGACTCTAATCATCATCACTTTAAAATCTTGGGCTT[C>T]AAAATATTCATTCTCAGTTGAAAGAGTCTGCTCTTTGCTTTCTTGTTCTCACTTCTGCTT-3'

ClinVar aggregate classification (germline): Conflicting classifications of pathogenicity. Review status: criteria provided, conflicting classifications (1 of 4 stars). 2 submissions from 2 submitters: Uncertain significance (1); Likely benign (1). Last evaluated 2024-10-11.

Conditions:
Obesity. Also called: Obesity disorder. Identifiers: Orphanet 71529, MedGen C0028754, MeSH D009765, MONDO:0011122, HP:0001513.
MC4R-related disorder. Also called: MC4R-related condition.

Allele frequency attached by ClinVar (database versions not stated): gnomAD 0.00008 and 0.00010; TOPMed 0.00008; gnomAD exomes 0.00015.

Submissions (2):

PreventionGenetics, part of Exact Sciences
Classification: Likely benign for MC4R-related condition. Last evaluated: 2024-10-11. Review status: criteria provided, single submitter. Criteria: ACMG Guidelines, 2015. Collection method: clinical testing. Allele origin: germline.
Comment: This variant is classified as likely benign based on ACMG/AMP sequence variant interpretation guidelines (Richards et al. 2015 PMID: 25741868, with internal and published modifications).

Illumina Laboratory Services, Illumina
Classification: Uncertain significance for Inherited obesity. Last evaluated: 2018-01-12. Review status: criteria provided, single submitter. Criteria: ICSL Variant Classification Criteria 13 December 2019. Collection method: clinical testing. Allele origin: germline.